The following is an entry in ClinVar:

NM_003611.3(OFD1):c.1777C>G (p.Pro593Ala)

Gene: OFD1 (OFD1 centriole and centriolar satellite protein; plus strand). Cytogenetic location: Xp22.2.
Variant type: single nucleotide variant.
Coding change: c.1777C>G on transcript NM_003611.3 (MANE Select); coding-DNA position 1777, C replaced by G.
Protein change: p.Pro593Ala; replaces proline 593 with alanine.
Molecular consequence: missense variant.
Genome position (GRCh38, 1-based): chrX:13,760,237, C>G. VCF-style: chrX-13760237-C-G. GRCh37 (hg19) VCF-style: chrX-13778356-C-G.
Other names: c.1657C>G, p.Pro553Ala (NM_001330209.2); c.1357C>G, p.Pro453Ala (NM_001330210.2); short protein forms P453A, P553A, P593A.
Identifiers: ClinVar variation 3758333 (VCV003758333.2).

ClinVar aggregate classification (germline): Uncertain significance (1 of 4 stars; one submission).

Conditions:
Joubert syndrome. Also called: CEREBELLOPARENCHYMAL DISORDER IV; JOUBERT-BOLTSHAUSER SYNDROME; Familial aplasia of the vermis. Identifiers: Orphanet 475, MedGen C5979921, MONDO:0018772.
Orofaciodigital syndrome I (OFD1). Also called: OFDS I; Papillon-Leage and Psaume Syndrome; Oral-Facial-Digital Syndrome Type I. Identifiers: Orphanet 2750, MedGen C1510460, MONDO:0010702, OMIM 311200.

gnomAD v4.1: 5 of 1,211,655 alleles (0.00041%); highest among the groups gnomAD compares: Non-Finnish European, 0.00056%; no homozygotes.

Submission:

Labcorp Genetics (formerly Invitae), Labcorp
Classification: Uncertain significance for Orofaciodigital syndrome I; Joubert syndrome. Last evaluated: 2024-11-11. Review status: criteria provided, single submitter. Criteria: Invitae Variant Classification Sherloc (09022015). Collection method: clinical testing. Allele origin: germline.
Comment: This sequence change replaces proline, which is neutral and non-polar, with alanine, which is neutral and non-polar, at codon 593 of the OFD1 protein (p.Pro593Ala). This variant is present in population databases (rs778455940, gnomAD 0.001%). This variant has not been reported in the literature in individuals affected with OFD1-related conditions. Invitae Evidence Modeling of protein sequence and biophysical properties (such as structural, functional, and spatial information, amino acid conservation, physicochemical variation, residue mobility, and thermodynamic stability) indicates that this missense variant is not expected to disrupt OFD1 protein function with a negative predictive value of 80%. In summary, the available evidence is currently insufficient to determine the role of this variant in disease. Therefore, it has been classified as a Variant of Uncertain Significance.